The following is an entry in ClinVar:

ClinVar aggregate classification (germline): Conflicting classifications of pathogenicity. Review status: criteria provided, conflicting classifications (1 of 4 stars). 6 submissions from 6 submitters: Uncertain significance (1); Benign (1). 4 of the submissions do not count toward it. Last evaluated 2026-01-05.

Conditions:
GRIN2D-related disorder. Also called: GRIN2D-related condition.
Inborn genetic diseases. Identifiers: MedGen C0950123, MeSH D030342.

Allele frequency attached by ClinVar (database versions not stated): gnomAD 0.00033; TOPMed 0.00038; 1000 Genomes Project 30x 0.00047; gnomAD exomes 0.00063.
gnomAD v4.1: 742 of 1,263,932 alleles (0.059%); highest among the groups gnomAD compares: Non-Finnish European, 0.072%; 1 homozygote.

Submissions (6):

Labcorp Genetics (formerly Invitae), Labcorp
Classification: Benign. Last evaluated: 2026-01-05. Review status: criteria provided, single submitter. Criteria: Invitae Variant Classification Sherloc (09022015). Collection method: clinical testing. Allele origin: germline.

Ambry Genetics
Classification: Uncertain significance for Inborn genetic diseases. Last evaluated: 2021-12-13. Review status: criteria provided, single submitter. Criteria: Ambry Variant Classification Scheme 2023. Collection method: clinical testing. Allele origin: germline.

PreventionGenetics, part of Exact Sciences
Classification: Likely benign for GRIN2D-related condition. Last evaluated: 2022-11-14. Review status: no assertion criteria provided. Collection method: clinical testing. Allele origin: germline. Not counted in ClinVar's aggregate classification.
Comment: This variant is classified as likely benign based on ACMG/AMP sequence variant interpretation guidelines (Richards et al. 2015 PMID: 25741868, with internal and published modifications).

Clinical Genetics DNA and cytogenetics Diagnostics Lab, Erasmus MC, Erasmus Medical Center
Classification: Likely benign. Review status: no assertion criteria provided. Collection method: clinical testing. Allele origin: germline. Affected: yes. Study: VKGL Data-share Consensus. Not counted in ClinVar's aggregate classification.

Diagnostic Laboratory, Department of Genetics, University Medical Center Groningen
Classification: Likely benign. Review status: no assertion criteria provided. Collection method: clinical testing. Allele origin: germline. Affected: yes. Study: VKGL Data-share Consensus. Not counted in ClinVar's aggregate classification.

Genome Diagnostics Laboratory, University Medical Center Utrecht
Classification: Likely benign. Review status: no assertion criteria provided. Collection method: clinical testing. Allele origin: germline. Affected: yes. Study: VKGL Data-share Consensus. Not counted in ClinVar's aggregate classification.

NM_000836.4(GRIN2D):c.3628C>T (p.Pro1210Ser)

Gene: GRIN2D (glutamate ionotropic receptor NMDA type subunit 2D; plus strand). Cytogenetic location: 19q13.33.
Variant type: single nucleotide variant.
Coding change: c.3628C>T on transcript NM_000836.4 (MANE Select); coding-DNA position 3628, C replaced by T.
Protein change: p.Pro1210Ser; replaces proline 1210 with serine.
Molecular consequence: missense variant.
Genome position (GRCh38, 1-based): chr19:48,443,554, C>T. VCF-style: chr19-48443554-C-T. GRCh37 (hg19) VCF-style: chr19-48946811-C-T.
Other names: c.3628C>T (NM_000836.2); short protein forms P1210S.
Identifiers: ClinVar variation 1174759 (VCV001174759.13), dbSNP rs773824115, ClinGen allele CA9550867.